The following is an entry in ClinVar:

NM_000179.3(MSH6):c.2906_2907del (p.Tyr969fs)

Gene: MSH6 (mutS homolog 6; plus strand). Cytogenetic location: 2p16.3.
Variant type: Deletion.
Coding change: c.2906_2907del on transcript NM_000179.3 (MANE Select); coding-DNA positions 2906 to 2907, 2 bases deleted (AT; older notation c.2906_2907delAT).
Protein change: p.Tyr969fs; shifts the reading frame from tyrosine 969.
Molecular consequence: frameshift variant.
Genome position (GRCh38, 1-based): chr2:47,800,889-47,800,890, AT deleted; deleting any 2 consecutive bases within chr2:47,800,888-47,800,890 gives the same sequence; the c. name uses the placement nearest the transcript's 3' end. VCF-style (leftmost placement, unchanged base first): chr2-47800887-CTA-C. GRCh37 (hg19) VCF-style: chr2-48028026-CTA-C.
Other names: c.2516_2517del, p.Tyr839fs (NM_001281492.2); c.2000_2001del, p.Tyr667fs (NM_001281493.2, NM_001281494.2); c.2906_2907delAT (NM_000179.2); short protein forms Y969fs, Y667fs, Y839fs.
Identifiers: ClinVar variation 187691 (VCV000187691.30), dbSNP rs786203924, ClinGen allele CA011064.
Genomic context (GRCh38, chr2:47,800,887, plus strand): 5'-ACAGAGCCTCCTGGAATACCTAGAGAAACAGCGCAACAGAATTGGCTGTAGGACCATAGT[CTA>C]TTGGGGGATTGGTAGGAACCGTTACCAGCTGGAAATTCCTGAGAATTTCACCACTCGCAA-3'

ClinVar aggregate classification (germline): Pathogenic. Review status: criteria provided, multiple submitters, no conflicts (2 of 4 stars). 9 submissions from 9 submitters: Pathogenic (9). Last evaluated 2026-01-13.

Conditions:
Mismatch repair cancer syndrome 3. Identifiers: MedGen C5436807, MONDO:0030841, OMIM 619097.
Endometrial carcinoma. Also called: Endometrial carcinoma, somatic. Identifiers: MedGen C0476089, MONDO:0002447, OMIM 608089, HP:0012114.
Lynch syndrome 5 (LYNCH5). Also called: Colorectal cancer, hereditary nonpolyposis, type 5; Hereditary non-polyposis colorectal cancer, type 5. Identifiers: Orphanet 144, MedGen C1833477, MONDO:0013710, OMIM 614350. Disease mechanism: loss of function.
Hereditary nonpolyposis colorectal neoplasms. Identifiers: MedGen C0009405, MeSH D003123.
Lynch syndrome. Identifiers: Orphanet 144, MedGen C4552100, MONDO:0005835. Disease mechanism: loss of function.
Hereditary cancer-predisposing syndrome. Also called: Neoplastic Syndromes, Hereditary; Tumor predisposition; Hereditary Cancer Syndrome; Hereditary neoplastic syndrome. Identifiers: Orphanet 140162, MedGen C0027672, MeSH D009386, MONDO:0015356.

Submissions (9):

Labcorp Genetics (formerly Invitae), Labcorp
Classification: Pathogenic for Hereditary nonpolyposis colorectal neoplasms. Last evaluated: 2026-01-13. Review status: criteria provided, single submitter. Criteria: Invitae Variant Classification Sherloc (09022015). Collection method: clinical testing. Allele origin: germline.
Comment: This sequence change creates a premature translational stop signal (p.Tyr969Leufs*5) in the MSH6 gene. It is expected to result in an absent or disrupted protein product. Loss-of-function variants in MSH6 are known to be pathogenic (PMID: 18269114, 24362816). This variant is not present in population databases (gnomAD no frequency). This premature translational stop signal has been observed in individual(s) with clinical features of Lynch syndrome (PMID: 25980754, 28514183). ClinVar contains an entry for this variant (Variation ID: 187691). For these reasons, this variant has been classified as Pathogenic.

Ambry Genetics
Classification: Pathogenic for Hereditary cancer-predisposing syndrome. Last evaluated: 2025-04-21. Review status: criteria provided, single submitter. Criteria: Ambry Variant Classification Scheme 2023. Collection method: clinical testing. Allele origin: germline.
Comment: The c.2906_2907delAT pathogenic mutation, located in coding exon 4 of the MSH6 gene, results from a deletion of two nucleotides at nucleotide positions 2906 to 2907, causing a translational frameshift with a predicted alternate stop codon (p.Y969Lfs*5). This pathogenic mutation was identified in a cohort of 1260 individuals undergoing panel testing for Lynch syndrome due to having a diagnosis of a Lynch-associated cancer and/or polyps (Yurgelun MB et al. Gastroenterology, 2015 Sep;149:604-13.e20). This variant is considered to be rare based on population cohorts in the Genome Aggregation Database (gnomAD). In addition to the clinical data presented in the literature, this alteration is expected to result in loss of function by premature protein truncation or nonsense-mediated mRNA decay. As such, this alteration is interpreted as a disease-causing mutation.

GeneDx
Classification: Pathogenic. Last evaluated: 2025-03-14. Review status: criteria provided, single submitter. Criteria: GeneDx Variant Classification Process June 2021. Collection method: clinical testing. Allele origin: germline. Affected: yes.
Comment: Frameshift variant predicted to result in protein truncation or nonsense mediated decay in a gene for which loss-of-function is a known mechanism of disease; Not observed in large population cohorts (gnomAD); Truncating variants in this gene are considered pathogenic by a well-established clinical consortium and/or database; Observed in patients with Lynch-related cancers (PMID: 25980754, 28888541, 33693762); This variant is associated with the following publications: (PMID: 28514183, 32719484, 25980754, 28888541, 33693762)

Department of Pathology and Laboratory Medicine, Sinai Health System
Classification: Pathogenic for Endometrial carcinoma; Lynch syndrome 5; Mismatch repair cancer syndrome 3. Last evaluated: 2025-01-13. Review status: criteria provided, single submitter. Criteria: ACMG Guidelines, 2015. Collection method: clinical testing. Allele origin: germline.

Baylor Genetics
Classification: Pathogenic for Endometrial carcinoma. Last evaluated: 2024-01-08. Review status: criteria provided, single submitter. Criteria: ACMG Guidelines, 2015. Collection method: clinical testing. Allele origin: unknown.

Myriad Genetics, Inc.
Classification: Pathogenic for Lynch syndrome 5. Last evaluated: 2023-08-21. Review status: criteria provided, single submitter. Criteria: Myriad Autosomal Dominant, Autosomal Recessive and X-Linked Classification Criteria (2023). Collection method: clinical testing. Allele origin: unknown.
Comment: This variant is considered pathogenic. This variant creates a frameshift predicted to result in premature protein truncation.

All of Us Research Program, National Institutes of Health
Classification: Pathogenic for Lynch syndrome. Last evaluated: 2023-06-08. Review status: criteria provided, single submitter. Criteria: ACMG Guidelines, 2015. Collection method: clinical testing. Allele origin: germline. Inheritance: Autosomal dominant inheritance. Observed: 1 variant allele, 1 heterozygote.
Comment: This variant deletes 2 nucleotides in exon 4 of the MSH6 gene, creating a frameshift and premature translation stop signal. This variant is expected to result in an absent or non-functional protein product. This variant has been reported in individuals affected with Lynch syndrome (PMID: 25980754, 33693762). This variant has not been identified in the general population by the Genome Aggregation Database (gnomAD). Loss of MSH6 function is a known mechanism of disease. Based on the available evidence, this variant is classified as Pathogenic.

This study involves interpretation of variants in research participants for the purpose of population health screening. Participant phenotype was not available at the time of variant classification. Additional details can be found in publication PMID: 35346344, PMCID: PMC8962531

Quest Diagnostics Nichols Institute San Juan Capistrano
Classification: Pathogenic. Last evaluated: 2023-05-07. Review status: criteria provided, single submitter. Criteria: Quest Diagnostics criteria. Collection method: clinical testing. Allele origin: unknown.
Comment: This frameshift variant alters the translational reading frame of the MSH6 mRNA and causes the premature termination of MSH6 protein synthesis. This variant has not been reported in large, multi-ethnic general populations. In the published literature, the variant has been reported in individuals with Lynch syndrome and Lynch-related cancers (PMIDs: 28888541 (2017), 28514183 (2017), 25980754 (2015)). Based on the available information, this variant is classified as pathogenic.

Color Diagnostics, LLC DBA Color Health
Classification: Pathogenic for Hereditary cancer-predisposing syndrome. Last evaluated: 2023-03-29. Review status: criteria provided, single submitter. Criteria: ACMG Guidelines, 2015. Collection method: clinical testing. Allele origin: germline.
Comment: This variant deletes 2 nucleotides in exon 4 of the MSH6 gene, creating a frameshift and premature translation stop signal. This variant is expected to result in an absent or non-functional protein product. This variant has been reported in individuals affected with Lynch syndrome (PMID: 25980754, 33693762). This variant has not been identified in the general population by the Genome Aggregation Database (gnomAD). Loss of MSH6 function is a known mechanism of disease. Based on the available evidence, this variant is classified as Pathogenic.

Literature cited by the submitters: PubMed 18269114 (cited by Labcorp Genetics (formerly Invitae), Labcorp); PubMed 24362816 (cited by Labcorp Genetics (formerly Invitae), Labcorp); PubMed 25980754 (cited by 6 submitters); PubMed 28514183 (cited by 3 submitters); PubMed 32719484 (cited by Department of Pathology and Laboratory Medicine, Sinai Health System and Quest Diagnostics Nichols Institute San Juan Capistrano); PubMed 33693762 (cited by 3 submitters); PubMed 28888541 (cited by Quest Diagnostics Nichols Institute San Juan Capistrano).